The following is an entry in ClinVar:

ClinVar aggregate classification (germline): Uncertain significance. Review status: criteria provided, multiple submitters, no conflicts (2 of 4 stars). 2 submissions from 2 submitters: Uncertain significance (2). Last evaluated 2024-12-26.

Conditions:
Inborn genetic diseases. Identifiers: MedGen C0950123, MeSH D030342.
Baller-Gerold syndrome (BGS). Also called: CRANIOSYNOSTOSIS WITH RADIAL DEFECTS. Identifiers: Orphanet 1225, MedGen C0265308, MONDO:0009039, OMIM 218600.

Submissions (2):

Ambry Genetics
Classification: Uncertain significance for Inborn genetic diseases. Last evaluated: 2024-12-26. Review status: criteria provided, single submitter. Criteria: Ambry Variant Classification Scheme 2023. Collection method: clinical testing. Allele origin: germline.
Comment: The p.P452L variant (also known as c.1355C>T), located in coding exon 7 of the RECQL4 gene, results from a C to T substitution at nucleotide position 1355. The proline at codon 452 is replaced by leucine, an amino acid with similar properties. This amino acid position is conserved. In addition, the in silico prediction for this alteration is inconclusive. Based on the available evidence, the clinical significance of this variant remains unclear.

Labcorp Genetics (formerly Invitae), Labcorp
Classification: Uncertain significance for Baller-Gerold syndrome. Last evaluated: 2023-06-17. Review status: criteria provided, single submitter. Criteria: Invitae Variant Classification Sherloc (09022015). Collection method: clinical testing. Allele origin: germline.
Comment: In summary, the available evidence is currently insufficient to determine the role of this variant in disease. Therefore, it has been classified as a Variant of Uncertain Significance. Advanced modeling of protein sequence and biophysical properties (such as structural, functional, and spatial information, amino acid conservation, physicochemical variation, residue mobility, and thermodynamic stability) performed at Invitae indicates that this missense variant is expected to disrupt RECQL4 protein function. This variant has not been reported in the literature in individuals affected with RECQL4-related conditions. This variant is not present in population databases (gnomAD no frequency). This sequence change replaces proline, which is neutral and non-polar, with leucine, which is neutral and non-polar, at codon 452 of the RECQL4 protein (p.Pro452Leu).

NM_004260.4(RECQL4):c.1355C>T (p.Pro452Leu)

Gene: RECQL4 (RecQ like helicase 4; minus strand). Cytogenetic location: 8q24.3.
Variant type: single nucleotide variant.
Coding change: c.1355C>T on transcript NM_004260.4 (MANE Select); coding-DNA position 1355, C replaced by T.
Protein change: p.Pro452Leu; replaces proline 452 with leucine.
Molecular consequence: missense variant. On other transcripts: 5 prime UTR variant (1), non-coding transcript variant (3).
Genome position (GRCh38, 1-based): chr8:144,515,361, G>A on the plus strand (C>T on the coding strand, the complement: RECQL4 is on the minus strand). VCF-style: chr8-144515361-G-A. GRCh37 (hg19) VCF-style: chr8-145740745-G-A.
Other names: c.1355C>T (NM_004260.3); c.1259C>T, p.Pro420Leu (NM_001413020.1, NM_001413017.1); c.284C>T, p.Pro95Leu (NM_001413021.1, NM_001413022.1, NM_001413023.1 and 8 more transcripts); c.1226C>T, p.Pro409Leu (NM_001413025.1); c.218C>T, p.Pro73Leu (NM_001413027.1, NM_001413041.1, NM_001413030.1 and 2 more transcripts); c.1004C>T, p.Pro335Leu (NM_001413029.1); c.1355C>T, p.Pro452Leu (NM_001413018.1, NM_001413019.1, NM_001413033.1 and 2 more transcripts); c.-113C>T (NM_001413043.1); short protein forms P452L, P409L, P73L, P95L, P335L, P420L.
Identifiers: ClinVar variation 2718140 (VCV002718140.4), dbSNP rs1319689040, ClinGen allele CA372685457.
Genomic context (GRCh38, chr8:144,515,361, plus strand): 5'-TCTGGGCCAGAAGCTGACTGCTCACCTGCCAACTGCCCTGAGGGCCCCAGGGAGTAGAGT[G>A]GCAGCACGGTGGGGTCCAGGCTGGGCACCTCAGGTACAGGTTGTGGTGAAGGAACCAGTG-3'
Protein context (NP_004251.4, residues 442-462): EVPSLDPTVL[Pro452Leu]LYSLGPSGQL